The following is an entry in ClinVar:

NM_170665.4(ATP2A2):c.704T>A (p.Ile235Asn)

Gene: ATP2A2 (ATPase sarcoplasmic/endoplasmic reticulum Ca2+ transporting 2; plus strand). Cytogenetic location: 12q24.11.
Variant type: single nucleotide variant.
Coding change: c.704T>A on transcript NM_170665.4 (MANE Select); coding-DNA position 704, T replaced by A.
Protein change: p.Ile235Asn; replaces isoleucine 235 with asparagine.
Molecular consequence: missense variant.
Genome position (GRCh38, 1-based): chr12:110,327,626, T>A. VCF-style: chr12-110327626-T-A. GRCh37 (hg19) VCF-style: chr12-110765431-T-A.
Other names: c.599T>A, p.Ile200Asn (NM_001413013.1); c.704T>A, p.Ile235Asn (NM_001413014.1, NM_001681.4); c.329T>A, p.Ile110Asn (NM_001413015.1); short protein forms I110N, I200N, I235N.
Identifiers: ClinVar variation 2505933 (VCV002505933.1), dbSNP rs2548553607, ClinGen allele CA386667042.

ClinVar aggregate classification (germline): Uncertain significance (1 of 4 stars; one submission).

Submission:

GeneDx
Classification: Uncertain significance. Last evaluated: 2022-12-13. Review status: criteria provided, single submitter. Criteria: GeneDx Variant Classification Process June 2021. Collection method: clinical testing. Allele origin: germline. Affected: yes.
Comment: Not observed at significant frequency in large population cohorts (gnomAD); Missense variants in this gene are often considered pathogenic (HGMD); In silico analysis supports that this missense variant has a deleterious effect on protein structure/function; Has not been previously published as pathogenic or benign to our knowledge